The following is an entry in ClinVar:

NM_001134831.2(AHI1):c.3426+2520C>T

Gene: AHI1 (Abelson helper integration site 1; minus strand). Cytogenetic location: 6q23.3.
Variant type: single nucleotide variant.
Coding change: c.3426+2520C>T on transcript NM_001134831.2 (MANE Select); 2520 bases into the intron after coding-DNA position 3426, C replaced by T.
Molecular consequence: intron variant.
Genome position (GRCh38, 1-based): chr6:135,315,999, G>A on the plus strand (C>T on the coding strand, the complement: AHI1 is on the minus strand). VCF-style: chr6-135315999-G-A. GRCh37 (hg19) VCF-style: chr6-135637137-G-A.
Other names: c.3426+2520C>T (NM_001134830.2, NM_001350503.2, NM_017651.5 and 1 more transcripts).
Identifiers: ClinVar variation 2656927 (VCV002656927.24), dbSNP rs2483190567, ClinGen allele CA2695198358.

ClinVar aggregate classification (germline): Likely benign (1 of 4 stars; one submission).

Submission:

CeGaT Center for Human Genetics Tuebingen
Classification: Likely benign. Last evaluated: 2023-06-01. Review status: criteria provided, single submitter. Criteria: CeGaT Center For Human Genetics Tuebingen Variant Classification Criteria Version 2. Collection method: clinical testing. Allele origin: germline. Affected: yes. Observed: 1 variant allele.
Comment: AHI1: PM2:Supporting, BP4, BP7